The following is an entry in ClinVar:

NM_001201550.3(CFHR4):c.348T>A (p.Asn116Lys)

Gene: CFHR4 (complement factor H related 4; plus strand). Cytogenetic location: 1q31.3.
Variant type: single nucleotide variant.
Coding change: c.348T>A on transcript NM_001201550.3 (MANE Select); coding-DNA position 348, T replaced by A.
Protein change: p.Asn116Lys; replaces asparagine 116 with lysine.
Molecular consequence: missense variant. On other transcripts: intron variant (1).
Genome position (GRCh38, 1-based): chr1:196,905,199, T>A. VCF-style: chr1-196905199-T-A. GRCh37 (hg19) VCF-style: chr1-196874329-T-A.
Other names: NC_000001.10:g.196874329T>A; p.Asn115Lys; c.345T>A, p.Asn115Lys (NM_001201551.2); c.256+2584T>A (NM_006684.5); short protein forms N115K, N116K.
Identifiers: ClinVar variation 1336294 (VCV001336294.8), dbSNP rs193093149, ClinGen allele CA1306798.

ClinVar aggregate classification (germline): Benign/Likely benign. Review status: criteria provided, multiple submitters, no conflicts (2 of 4 stars). 4 submissions from 4 submitters: Benign (2); Likely benign (2). Last evaluated 2026-01-22.

Allele frequency attached by ClinVar (database versions not stated): gnomAD exomes 0.00161; ExAC 0.00203; 1000 Genomes Project 0.00619; gnomAD 0.00684 and 0.00739; 1000 Genomes Project 30x 0.00687; TOPMed 0.00739.
gnomAD v4.1: 2,010 of 1,611,112 alleles (0.12%); highest among the groups gnomAD compares: African/African-American, 2.4%; 81 homozygotes.

Submissions (5):

Women's Health and Genetics/Laboratory Corporation of America, LabCorp
Classification: Likely benign. Last evaluated: 2026-01-22. Review status: criteria provided, single submitter. Criteria: LabCorp Variant Classification Summary - May 2015. Collection method: clinical testing. Allele origin: germline.

Mayo Clinic Laboratories, Mayo Clinic
Classification: Benign. Last evaluated: 2024-12-26. Review status: criteria provided, single submitter. Criteria: ACMG Guidelines, 2015. Collection method: clinical testing. Allele origin: germline. Observed: 33 variant alleles.
Comment: BS1, BS2, BP1, BP4_moderate

Genetic Services Laboratory, University of Chicago
Classification: Benign. Last evaluated: 2019-05-14. Review status: criteria provided, single submitter. Criteria: ACMG Guidelines, 2015. Collection method: clinical testing. Allele origin: germline. Affected: no.

Breakthrough Genomics
Classification: Likely benign. Review status: criteria provided, single submitter. Criteria: ACMG Guidelines, 2015. Collection method: not provided. Allele origin: germline. Inheritance: Unknown mechanism. Affected: yes.

Dr. Peter K. Rogan Lab, Western University
No classification provided (evidence only). Condition: Uterine carcinosarcoma. Review status: no classification provided. Collection method: in vitro. Allele origin: not applicable. Functional consequence: retained intron. Not counted in ClinVar's aggregate classification.